The following is an entry in ClinVar:

ClinVar aggregate classification (germline): Uncertain significance. Review status: criteria provided, multiple submitters, no conflicts (2 of 4 stars). 2 submissions from 2 submitters: Uncertain significance (2). Last evaluated 2025-09-22.

Conditions:
Fanconi anemia complementation group J. Also called: BRIP1-Related Fanconi Anemia. Identifiers: Orphanet 84, MedGen C1836860, MONDO:0012187, OMIM 609054.
Familial cancer of breast. Also called: BREAST CANCER, FAMILIAL; Hereditary breast cancer; hereditary breast carcinoma. Identifiers: Orphanet 227535, MedGen C0346153, MONDO:0016419, OMIM 114480. Disease mechanism: loss of function.
Hereditary cancer-predisposing syndrome. Also called: Neoplastic Syndromes, Hereditary; Tumor predisposition; Hereditary neoplastic syndrome; Hereditary Cancer Syndrome. Identifiers: Orphanet 140162, MedGen C0027672, MeSH D009386, MONDO:0015356.

Submissions (2):

Ambry Genetics
Classification: Uncertain significance for Hereditary cancer-predisposing syndrome. Last evaluated: 2025-09-22. Review status: criteria provided, single submitter. Criteria: Ambry Variant Classification Scheme 2023. Collection method: clinical testing. Allele origin: germline.
Comment: The p.V410L variant (also known as c.1228G>C), located in coding exon 8 of the BRIP1 gene, results from a G to C substitution at nucleotide position 1228. The valine at codon 410 is replaced by leucine, an amino acid with highly similar properties. This amino acid position is conserved. In addition, this alteration is predicted to be tolerated by in silico analysis. Since supporting evidence is limited at this time, the clinical significance of this alteration remains unclear.

Labcorp Genetics (formerly Invitae), Labcorp
Classification: Uncertain significance for Familial cancer of breast; Fanconi anemia complementation group J. Last evaluated: 2023-03-19. Review status: criteria provided, single submitter. Criteria: Invitae Variant Classification Sherloc (09022015). Collection method: clinical testing. Allele origin: germline.
Comment: In summary, the available evidence is currently insufficient to determine the role of this variant in disease. Therefore, it has been classified as a Variant of Uncertain Significance. Advanced modeling of protein sequence and biophysical properties (such as structural, functional, and spatial information, amino acid conservation, physicochemical variation, residue mobility, and thermodynamic stability) performed at Invitae indicates that this missense variant is not expected to disrupt BRIP1 protein function. ClinVar contains an entry for this variant (Variation ID: 1754881). This variant has not been reported in the literature in individuals affected with BRIP1-related conditions. This variant is not present in population databases (gnomAD no frequency). This sequence change replaces valine, which is neutral and non-polar, with leucine, which is neutral and non-polar, at codon 410 of the BRIP1 protein (p.Val410Leu).

NM_032043.3(BRIP1):c.1228G>C (p.Val410Leu)

Gene: BRIP1 (BRCA1 interacting DNA helicase 1; minus strand). Cytogenetic location: 17q23.2.
Variant type: single nucleotide variant.
Coding change: c.1228G>C on transcript NM_032043.3 (MANE Select); coding-DNA position 1228, G replaced by C.
Protein change: p.Val410Leu; replaces valine 410 with leucine.
Molecular consequence: missense variant.
Genome position (GRCh38, 1-based): chr17:61,799,212, C>G on the plus strand (G>C on the coding strand, the complement: BRIP1 is on the minus strand). VCF-style: chr17-61799212-C-G. GRCh37 (hg19) VCF-style: chr17-59876573-C-G.
Other names: short protein forms V410L.
Identifiers: ClinVar variation 1754881 (VCV001754881.8), dbSNP rs2145305888, ClinGen allele CA400483646.